The following is an entry in ClinVar:

ClinVar aggregate classification (germline): Uncertain significance (1 of 4 stars; one submission).

Conditions:
Hereditary cancer-predisposing syndrome. Also called: Neoplastic Syndromes, Hereditary; Tumor predisposition; Hereditary neoplastic syndrome; Hereditary Cancer Syndrome. Identifiers: Orphanet 140162, MedGen C0027672, MeSH D009386, MONDO:0015356.

Submission:

Ambry Genetics
Classification: Uncertain significance for Hereditary cancer-predisposing syndrome. Last evaluated: 2019-03-15. Review status: criteria provided, single submitter. Criteria: Ambry Variant Classification Scheme 2023. Collection method: clinical testing. Allele origin: germline.
Comment: The p.T277P variant (also known as c.829A>C), located in coding exon 8 of the PMS2 gene, results from an A to C substitution at nucleotide position 829. The threonine at codon 277 is replaced by proline, an amino acid with highly similar properties. This amino acid position is poorly conserved in available vertebrate species. In addition, this alteration is predicted to be tolerated by in silico analysis. Since supporting evidence is limited at this time, the clinical significance of this alteration remains unclear.

NM_000535.7(PMS2):c.829A>C (p.Thr277Pro)

Gene: PMS2 (PMS1 homolog 2, mismatch repair system component; minus strand). Cytogenetic location: 7p22.1.
Variant type: single nucleotide variant.
Coding change: c.829A>C on transcript NM_000535.7 (MANE Select); coding-DNA position 829, A replaced by C.
Protein change: p.Thr277Pro; replaces threonine 277 with proline.
Molecular consequence: missense variant. On other transcripts: 5 prime UTR variant (2), non-coding transcript variant (1).
Genome position (GRCh38, 1-based): chr7:5,995,608, T>G on the plus strand (A>C on the coding strand, the complement: PMS2 is on the minus strand). VCF-style: chr7-5995608-T-G. GRCh37 (hg19) VCF-style: chr7-6035239-T-G.
Other names: c.424A>C, p.Thr142Pro (NM_001322003.2, NM_001322004.2, NM_001322005.2 and 2 more transcripts); c.829A>C, p.Thr277Pro (NM_001322006.2, NM_001322014.2); c.511A>C, p.Thr171Pro (NM_001322007.2, NM_001322008.2); c.-105A>C (NM_001322011.2, NM_001322012.2); c.256A>C, p.Thr86Pro (NM_001322013.2); c.520A>C, p.Thr174Pro (NM_001322015.2); short protein forms T86P, T142P, T174P, T277P, T171P.
Identifiers: ClinVar variation 827560 (VCV000827560.4), dbSNP rs1583364586, ClinGen allele CA366743533.
Genomic context (GRCh38, chr7:5,995,608, plus strand): 5'-AAGGCCGCCGGTTGATAAAGAAAAACTGTCTGTCTGTTGAACTCCTTCCAACTCCATGCG[T>G]GCATTGTGAAATGAAACCTGAGATGCTATTCAACATTAATATGGTAAGGGCAGGATTCCA-3'
Protein context (NP_000526.2, residues 267-287): FYISGFISQC[Thr277Pro]HGVGRSSTDR